The following is an entry in ClinVar:

NM_000321.3(RB1):c.1421_1421+9delinsCTTTTAGTAAAAAATTTACTTTTAGTAAAATTTTACTTTTAGTAAAATTTTAGTAAAAATTTACTTTTAGTAAAAAA

Gene: RB1 (RB transcriptional corepressor 1; plus strand). Cytogenetic location: 13q14.2.
Variant type: Indel.
Coding change: c.1421_1421+9delinsCTTTTAGTAAAAAATTTACTTTTAGTAAAATTTTACTTTTAGTAAAATTTTAGTAAAAATTTACTTTTAGTAAAAAA on transcript NM_000321.3 (MANE Select); coding-DNA position 1421 through 9 bases into the intron after coding-DNA position 1421, the reference bases replaced by an inserted sequence.
Molecular consequence: splice donor variant.
Genome position (GRCh38, 1-based): chr13:48,380,084-48,380,093, 10 bases replaced. GRCh37 (hg19): chr13:48,954,220-48,954,229.
Identifiers: ClinVar variation 2012455 (VCV002012455.4), dbSNP rs2542204232, ClinGen allele CA2580087592.

ClinVar aggregate classification (germline): Pathogenic (1 of 4 stars; one submission).

Conditions:
Retinoblastoma (RB1). Also called: RETINOBLASTOMA, SOMATIC. Identifiers: Orphanet 790, MedGen C0035335, MeSH D012175, MONDO:0008380, OMIM 180200, HP:0009919. Disease mechanism: loss of function. Inheritance: Both sporadic and heritable forms are tested..

Submission:

Labcorp Genetics (formerly Invitae), Labcorp
Classification: Pathogenic for Retinoblastoma. Last evaluated: 2023-09-26. Review status: criteria provided, single submitter. Criteria: Invitae Variant Classification Sherloc (09022015). Collection method: clinical testing. Allele origin: germline.
Comment: This variant results in the deletion of part of exon 15 (c.1421_1421+9delins77) of the RB1 gene. It is expected to disrupt RNA splicing. Variants that disrupt the donor or acceptor splice site typically lead to a loss of protein function (PMID: 16199547), and loss-of-function variants in RB1 are known to be pathogenic (PMID: 17096365). Information on the frequency of this variant in the gnomAD database is not available, as this variant may be reported differently in the database. This variant has been observed in individual(s) with retinoblastoma (Invitae). Experimental studies and prediction algorithms are not available or were not evaluated, and the effect of this variant on mRNA splicing is currently unknown. For these reasons, this variant has been classified as Pathogenic.

Literature cited by the submitters: PubMed 16199547; PubMed 17096365.